The following is an entry in ClinVar:

ClinVar aggregate classification (germline): Uncertain significance. Review status: criteria provided, multiple submitters, no conflicts (2 of 4 stars). 2 submissions from 2 submitters: Uncertain significance (2). Last evaluated 2026-02-26.

Conditions:
Inborn genetic diseases. Identifiers: MedGen C0950123, MeSH D030342.
IFT27-related disorder. Also called: IFT27-related condition.

Submissions (2):

PreventionGenetics, part of Exact Sciences
Classification: Uncertain significance for IFT27-related condition. Last evaluated: 2026-02-26. Review status: criteria provided, single submitter. Criteria: ACMG Guidelines, 2015. Collection method: clinical testing. Allele origin: germline.
Comment: The IFT27 c.276T>A variant is predicted to result in the amino acid substitution p.Asn92Lys. To our knowledge, this variant has not been reported in the literature or in a large population database (gnomAD), indicating this variant is rare. At this time, the clinical significance of this variant is uncertain due to the absence of conclusive functional and genetic evidence.

Ambry Genetics
Classification: Uncertain significance for Inborn genetic diseases. Last evaluated: 2025-09-04. Review status: criteria provided, single submitter. Criteria: Ambry Variant Classification Scheme 2023. Collection method: clinical testing. Allele origin: germline.

NM_001177701.3(IFT27):c.279T>A (p.Asn93Lys)

Genes: CACNG2-DT (CACNG2 divergent transcript; plus strand), IFT27 (intraflagellar transport 27; minus strand). Cytogenetic location: 22q12.3.
Variant type: single nucleotide variant.
Coding change: c.279T>A on transcript NM_001177701.3 (MANE Select); coding-DNA position 279, T replaced by A.
Protein change: p.Asn93Lys; replaces asparagine 93 with lysine.
Molecular consequence: missense variant.
Genome position (GRCh38, 1-based): chr22:36,763,992, A>T on the plus strand (T>A on the coding strand, the complement: IFT27 is on the minus strand). VCF-style: chr22-36763992-A-T. GRCh37 (hg19) VCF-style: chr22-37160036-A-T.
Other names: c.276T>A (NM_006860.4); c.279T>A, p.Asn93Lys (NM_001363003.2); c.276T>A, p.Asn92Lys (NM_006860.5); short protein forms N92K, N93K.
Identifiers: ClinVar variation 4273882 (VCV004273882.2).